The following is an entry in ClinVar:

ClinVar aggregate classification (germline): Uncertain significance. Review status: criteria provided, multiple submitters, no conflicts (2 of 4 stars). 2 submissions from 2 submitters: Uncertain significance (2). Last evaluated 2024-12-04.

gnomAD v4.1: 14 of 1,613,846 alleles (0.00087%); highest among the groups gnomAD compares: South Asian, 0.014%; no homozygotes.

Submissions (2):

Ambry Genetics
Classification: Uncertain significance. Last evaluated: 2024-12-04. Review status: criteria provided, single submitter. Criteria: Ambry Variant Classification Scheme 2023. Collection method: clinical testing. Allele origin: germline.

Women's Health and Genetics/Laboratory Corporation of America, LabCorp
Classification: Uncertain significance. Last evaluated: 2024-06-07. Review status: criteria provided, single submitter. Criteria: LabCorp Variant Classification Summary - May 2015. Collection method: clinical testing. Allele origin: germline.
Comment: Variant summary: DAB1 c.1547C>T (p.Pro516Leu) results in a non-conservative amino acid change in the encoded protein sequence. Four of five in-silico tools predict a damaging effect of the variant on protein function. The variant allele was found at a frequency of 2.4e-05 in 251410 control chromosomes. The available data on variant occurrences in the general population are insufficient to allow any conclusion about variant significance. To our knowledge, no occurrence of c.1547C>T in individuals affected with Spinocerebellar Ataxia Type 37 and no experimental evidence demonstrating its impact on protein function have been reported. No submitters have cited clinical-significance assessments for this variant to ClinVar. Based on the evidence outlined above, the variant was classified as uncertain significance.

NM_001365792.1(DAB1):c.1547C>T (p.Pro516Leu)

Gene: DAB1 (DAB adaptor protein 1; minus strand). Cytogenetic location: 1p32.2.
Variant type: single nucleotide variant.
Coding change: c.1547C>T on transcript NM_001365792.1 (MANE Select); coding-DNA position 1547, C replaced by T.
Protein change: p.Pro516Leu; replaces proline 516 with leucine.
Molecular consequence: missense variant.
Genome position (GRCh38, 1-based): chr1:57,011,170, G>A on the plus strand (C>T on the coding strand, the complement: DAB1 is on the minus strand). VCF-style: chr1-57011170-G-A. GRCh37 (hg19) VCF-style: chr1-57476843-G-A.
Other names: c.1547C>T, p.Pro516Leu (NM_001353983.2, NM_001353985.2, NM_001365793.1 and 2 more transcripts); c.1541C>T, p.Pro514Leu (NM_001353986.2, NM_001379461.1); c.1547C>T (NM_021080.3); short protein forms P514L, P516L.
Identifiers: ClinVar variation 3339692 (VCV003339692.2).